The following is an entry in ClinVar:

ClinVar aggregate classification (germline): Uncertain significance (1 of 4 stars; one submission).

Conditions:
Familial thoracic aortic aneurysm and aortic dissection (TAAD). Also called: Thoracic aortic aneurysms and dissections. Identifiers: Orphanet 91387, MedGen C4707243, MONDO:0019625.

Submission:

Ambry Genetics
Classification: Uncertain significance for Familial thoracic aortic aneurysm and aortic dissection. Last evaluated: 2026-01-06. Review status: criteria provided, single submitter. Criteria: Ambry Variant Classification Scheme 2023. Collection method: clinical testing. Allele origin: germline.
Comment: The p.F366L variant (also known as c.1098C>A), located in coding exon 10 of the PRKG1 gene, results from a C to A substitution at nucleotide position 1098. The phenylalanine at codon 366 is replaced by leucine, an amino acid with highly similar properties. This amino acid position is conserved. In addition, the in silico prediction for this alteration is inconclusive. Based on the available evidence, the clinical significance of this variant remains unclear.

NM_006258.4(PRKG1):c.1098C>A (p.Phe366Leu)

Gene: PRKG1 (protein kinase cGMP-dependent 1; plus strand). Cytogenetic location: 10q21.1.
Variant type: single nucleotide variant.
Coding change: c.1098C>A on transcript NM_006258.4 (MANE Select); coding-DNA position 1098, C replaced by A.
Protein change: p.Phe366Leu; replaces phenylalanine 366 with leucine.
Molecular consequence: missense variant. On other transcripts: 5 prime UTR variant (1).
Genome position (GRCh38, 1-based): chr10:52,251,591, C>A. VCF-style: chr10-52251591-C-A. GRCh37 (hg19) VCF-style: chr10-54011351-C-A.
Other names: c.1053C>A, p.Phe351Leu (NM_001098512.3); c.-112C>A (NM_001374781.1); short protein forms F351L, F366L.
Identifiers: ClinVar variation 4842691 (VCV004842691.1).
Genomic context (GRCh38, chr10:52,251,591, plus strand): 5'-CTCTAAGAAATTTCCATTTTTTCACATCAAAAAATCCAGATATGAAGCTGAAGCGGCTTT[C>A]TTCGCCAACCTGAAGCTGTCTGATTTCAACATCATTGATACCCTTGGAGTTGGAGGTTTC-3'
Protein context (NP_006249.1, residues 356-376): AKAKYEAEAA[Phe366Leu]FANLKLSDFN